The following is an entry in ClinVar:

Single allele

Gene: DMD (dystrophin; minus strand). Cytogenetic location: Xp21.1.
Variant type: Deletion.
Identifiers: ClinVar variation 1120173 (VCV001120173.5).

ClinVar aggregate classification (germline): Pathogenic (1 of 4 stars; one submission).

Submission:

Mayo Clinic Laboratories, Mayo Clinic
Classification: Pathogenic. Last evaluated: 2019-07-23. Review status: criteria provided, single submitter. Criteria: ACMG Guidelines, 2015. Collection method: clinical testing. Allele origin: germline. Observed: 2 variant alleles.
Comment: An in-frame deletion involving exons 45-57 of the DMD gene.

Literature cited by the submitters: PubMed 15723292; PubMed 21851881; PubMed 16566881; PubMed 26182502.